The following is an entry in ClinVar:

NC_000003.12:g.(?_81642771)_(81670963_?)del

Gene: GBE1 (1,4-alpha-glucan branching enzyme 1; minus strand). Cytogenetic location: 3p12.2.
Variant type: Deletion.
Identifiers: ClinVar variation 832400 (VCV000832400.5).

ClinVar aggregate classification (germline): Pathogenic (1 of 4 stars; one submission).

Conditions:
Glycogen storage disease, type IV (GSD4). Also called: AMYLOPECTINOSIS; ANDERSEN DISEASE; BRANCHER DEFICIENCY; CIRRHOSIS, FAMILIAL, WITH DEPOSITION OF ABNORMAL GLYCOGEN; GBE1 DEFICIENCY; GLYCOGEN BRANCHING ENZYME DEFICIENCY. Identifiers: Orphanet 367, MedGen C0017923, MONDO:0009292, OMIM 232500.
Glycogen storage disease IV, classic hepatic. Also called: GSD IV, CLASSIC HEPATIC. Identifiers: MedGen C1856301.

Submission:

Labcorp Genetics (formerly Invitae), Labcorp
Classification: Pathogenic for Glycogen storage disease, type IV; Glycogen storage disease IV, classic hepatic. Last evaluated: 2022-07-13. Review status: criteria provided, single submitter. Criteria: Invitae Variant Classification Sherloc (09022015). Collection method: clinical testing. Allele origin: germline.
Comment: This variant is a gross deletion of the genomic region encompassing exon(s) 3-7 of the GBE1 gene. This deletion is out-of-frame, and is expected to create a premature termination codon and result in an absent or disrupted protein product. Loss-of-function variants in GBE1 are known to be pathogenic (PMID: 15452297, 20058079). This variant has not been reported in the literature in individuals affected with GBE1-related conditions. For these reasons, this variant has been classified as Pathogenic.

Literature cited by the submitters: PubMed 15452297; PubMed 20058079.